The following is an entry in ClinVar:

NM_001112741.2(KCNC1):c.805A>G (p.Asn269Asp)

Gene: KCNC1 (potassium voltage-gated channel subfamily C member 1; plus strand). Cytogenetic location: 11p15.1.
Variant type: single nucleotide variant.
Coding change: c.805A>G on transcript NM_001112741.2 (MANE Select); coding-DNA position 805, A replaced by G.
Protein change: p.Asn269Asp; replaces asparagine 269 with aspartic acid.
Molecular consequence: missense variant.
Genome position (GRCh38, 1-based): chr11:17,771,899, A>G. VCF-style: chr11-17771899-A-G. GRCh37 (hg19) VCF-style: chr11-17793446-A-G.
Other names: c.805A>G, p.Asn269Asp (NM_004976.4); short protein forms N269D.
Identifiers: ClinVar variation 1717980 (VCV001717980.6), dbSNP rs2497799841, ClinGen allele CA379806468.

ClinVar aggregate classification (germline): Uncertain significance (1 of 4 stars; one submission).

Conditions:
Progressive myoclonic epilepsy type 7. Identifiers: Orphanet 435438, MedGen C4015420, MONDO:0014521, OMIM 616187.

Allele frequency attached by ClinVar (database versions not stated): gnomAD exomes below 0.00001.
gnomAD v4.1: 1 of 1,614,208 alleles (0.000062%); highest among the groups gnomAD compares: Admixed American, 0.0017%; no homozygotes.

Submission:

Labcorp Genetics (formerly Invitae), Labcorp
Classification: Uncertain significance for Progressive myoclonic epilepsy type 7. Last evaluated: 2022-09-28. Review status: criteria provided, single submitter. Criteria: Invitae Variant Classification Sherloc (09022015). Collection method: clinical testing. Allele origin: germline.
Comment: In summary, the available evidence is currently insufficient to determine the role of this variant in disease. Therefore, it has been classified as a Variant of Uncertain Significance. Advanced modeling of protein sequence and biophysical properties (such as structural, functional, and spatial information, amino acid conservation, physicochemical variation, residue mobility, and thermodynamic stability) performed at Invitae indicates that this missense variant is not expected to disrupt KCNC1 protein function. This variant has not been reported in the literature in individuals affected with KCNC1-related conditions. This variant is not present in population databases (gnomAD no frequency). This sequence change replaces asparagine, which is neutral and polar, with aspartic acid, which is acidic and polar, at codon 269 of the KCNC1 protein (p.Asn269Asp).